The following is an entry in ClinVar:

ClinVar aggregate classification (germline): Uncertain significance (1 of 4 stars; one submission).

Conditions:
Cardiovascular phenotype. Identifiers: MedGen CN230736.

Allele frequency attached by ClinVar (database versions not stated): TOPMed below 0.00001; gnomAD 0.00001.

Submission:

Ambry Genetics
Classification: Uncertain significance for Cardiovascular phenotype. Last evaluated: 2021-07-01. Review status: criteria provided, single submitter. Criteria: Ambry Variant Classification Scheme 2023. Collection method: clinical testing. Allele origin: germline.
Comment: The p.A50D variant (also known as c.149C>A), located in coding exon 1 of the MYPN gene, results from a C to A substitution at nucleotide position 149. The alanine at codon 50 is replaced by aspartic acid, an amino acid with dissimilar properties. This amino acid position is conserved. In addition, this alteration is predicted to be tolerated by in silico analysis. Since supporting evidence is limited at this time, the clinical significance of this alteration remains unclear.

NM_032578.4(MYPN):c.149C>A (p.Ala50Asp)

Gene: MYPN (myopalladin; plus strand). Cytogenetic location: 10q21.3.
Variant type: single nucleotide variant.
Coding change: c.149C>A on transcript NM_032578.4 (MANE Select); coding-DNA position 149, C replaced by A.
Protein change: p.Ala50Asp; replaces alanine 50 with aspartic acid.
Molecular consequence: missense variant. On other transcripts: 5 prime UTR variant (1), non-coding transcript variant (1).
Genome position (GRCh38, 1-based): chr10:68,121,587, C>A. VCF-style: chr10-68121587-C-A. GRCh37 (hg19) VCF-style: chr10-69881344-C-A.
Other names: c.149C>A, p.Ala50Asp (NM_001256267.2); c.-974C>A (NM_001256268.2); short protein forms A50D.
Identifiers: ClinVar variation 1773949 (VCV001773949.2), dbSNP rs753497003, ClinGen allele CA377103705.